The following is an entry in ClinVar:

ClinVar aggregate classification (germline): Uncertain significance. Review status: criteria provided, multiple submitters, no conflicts (2 of 4 stars). 2 submissions from 2 submitters: Uncertain significance (2). Last evaluated 2025-02-26.

Conditions:
Inborn genetic diseases. Identifiers: MedGen C0950123, MeSH D030342.

gnomAD v4.1: 6 of 1,613,736 alleles (0.00037%); highest among the groups gnomAD compares: African/African-American, 0.0027%; no homozygotes.

Submissions (2):

GeneDx
Classification: Uncertain significance. Last evaluated: 2025-02-26. Review status: criteria provided, single submitter. Criteria: GeneDx Variant Classification Process June 2021. Collection method: clinical testing. Allele origin: germline. Affected: yes.
Comment: Not observed at significant frequency in large population cohorts (gnomAD); In silico analysis supports that this missense variant has a deleterious effect on protein structure/function; Has not been previously published as pathogenic or benign to our knowledge

Ambry Genetics
Classification: Uncertain significance for Inborn genetic diseases. Last evaluated: 2024-06-18. Review status: criteria provided, single submitter. Criteria: Ambry Variant Classification Scheme 2023. Collection method: clinical testing. Allele origin: germline.

NM_004431.5(EPHA2):c.925T>C (p.Cys309Arg)

Gene: EPHA2 (EPH receptor A2; minus strand). Cytogenetic location: 1p36.13.
Variant type: single nucleotide variant.
Coding change: c.925T>C on transcript NM_004431.5 (MANE Select); coding-DNA position 925, T replaced by C.
Protein change: p.Cys309Arg; replaces cysteine 309 with arginine.
Molecular consequence: missense variant.
Genome position (GRCh38, 1-based): chr1:16,138,329, A>G on the plus strand (T>C on the coding strand, the complement: EPHA2 is on the minus strand). VCF-style: chr1-16138329-A-G. GRCh37 (hg19) VCF-style: chr1-16464824-A-G.
Other names: c.763T>C, p.Cys255Arg (NM_001329090.2); short protein forms C255R, C309R.
Identifiers: ClinVar variation 3275908 (VCV003275908.2).
Genomic context (GRCh38, chr1:16,138,329, plus strand): 5'-ACTCACGTGTGCAAGGCATCGACGCTGGGTCCTGAGGTGCCCGGAAGAAGCCTTCCTCAC[A>G]CTCGCAGGAGGTGGCACCCTCAGGGGATGGCAGCGTGTGCTCAGGGCACTCCAAGCAGGG-3'
Protein context (NP_004422.2, residues 299-319): PSPEGATSCE[Cys309Arg]EEGFFRAPQD